The following is an entry in ClinVar:

NM_001378454.1(ALMS1):c.11200T>A (p.Ser3734Thr)

Gene: ALMS1 (ALMS1 centrosome and basal body associated protein; plus strand). Cytogenetic location: 2p13.1.
Variant type: single nucleotide variant.
Coding change: c.11200T>A on transcript NM_001378454.1 (MANE Select); coding-DNA position 11200, T replaced by A.
Protein change: p.Ser3734Thr; replaces serine 3734 with threonine.
Molecular consequence: missense variant.
Genome position (GRCh38, 1-based): chr2:73,573,077, T>A. VCF-style: chr2-73573077-T-A. GRCh37 (hg19) VCF-style: chr2-73800204-T-A.
Other names: c.11203T>A, p.Ser3735Thr (NM_015120.4); short protein forms S3734T, S3735T.
Identifiers: ClinVar variation 1424231 (VCV001424231.4), dbSNP rs1209512957, ClinGen allele CA347288137.

ClinVar aggregate classification (germline): Uncertain significance. Review status: criteria provided, multiple submitters, no conflicts (2 of 4 stars). 2 submissions from 2 submitters: Uncertain significance (2). Last evaluated 2023-05-24.

Conditions:
Alstrom syndrome (ALMS). Identifiers: Orphanet 64, MedGen C0268425, MONDO:0008763, OMIM 203800.
Cardiovascular phenotype. Identifiers: MedGen CN230736.

Allele frequency attached by ClinVar (database versions not stated): gnomAD exomes below 0.00001.
gnomAD v4.1: 5 of 1,614,058 alleles (0.00031%); highest among the groups gnomAD compares: Admixed American, 0.005%; no homozygotes.

Submissions (2):

Ambry Genetics
Classification: Uncertain significance for Cardiovascular phenotype. Last evaluated: 2023-05-24. Review status: criteria provided, single submitter. Criteria: Ambry Variant Classification Scheme 2023. Collection method: clinical testing. Allele origin: germline.
Comment: The p.S3735T variant (also known as c.11203T>A), located in coding exon 16 of the ALMS1 gene, results from a T to A substitution at nucleotide position 11203. The serine at codon 3735 is replaced by threonine, an amino acid with similar properties. This amino acid position is highly conserved in available vertebrate species. In addition, this alteration is predicted to be tolerated by in silico analysis. Since supporting evidence is limited at this time, the clinical significance of this alteration remains unclear.

Labcorp Genetics (formerly Invitae), Labcorp
Classification: Uncertain significance for Alstrom syndrome. Last evaluated: 2022-10-13. Review status: criteria provided, single submitter. Criteria: Invitae Variant Classification Sherloc (09022015). Collection method: clinical testing. Allele origin: germline.
Comment: This sequence change replaces serine, which is neutral and polar, with threonine, which is neutral and polar, at codon 3735 of the ALMS1 protein (p.Ser3735Thr). This variant is present in population databases (no rsID available, gnomAD 0.003%). This variant has not been reported in the literature in individuals affected with ALMS1-related conditions. ClinVar contains an entry for this variant (Variation ID: 1424231). Experimental studies and prediction algorithms are not available or were not evaluated, and the functional significance of this variant is currently unknown. In summary, the available evidence is currently insufficient to determine the role of this variant in disease. Therefore, it has been classified as a Variant of Uncertain Significance.